The following is an entry in ClinVar:

NM_000350.3(ABCA4):c.3386G>T (p.Arg1129Leu)

Gene: ABCA4 (ATP binding cassette subfamily A member 4; minus strand). Cytogenetic location: 1p22.1.
Variant type: single nucleotide variant.
Coding change: c.3386G>T on transcript NM_000350.3 (MANE Select); coding-DNA position 3386, G replaced by T.
Protein change: p.Arg1129Leu; replaces arginine 1129 with leucine.
Molecular consequence: missense variant.
Genome position (GRCh38, 1-based): chr1:94,041,345, C>A on the plus strand (G>T on the coding strand, the complement: ABCA4 is on the minus strand). VCF-style: chr1-94041345-C-A. GRCh37 (hg19) VCF-style: chr1-94506901-C-A.
Other names: NM_000350.3(ABCA4):c.3386G>T; c.3164G>T, p.Arg1055Leu (NM_001425324.1); short protein forms R1129L, R1055L.
Identifiers: ClinVar variation 99224 (VCV000099224.35), dbSNP rs1801269, ClinGen allele CA227116.

ClinVar aggregate classification (germline): Pathogenic. Review status: reviewed by expert panel (3 of 4 stars). 16 submissions from 15 submitters: Pathogenic (1). 15 of the submissions do not count toward it. Last evaluated 2025-12-05.

Conditions:
ABCA4-related disorder. Also called: ABCA4-related disorders; ABCA4-related condition. Identifiers: MedGen CN239167.
ABCA4-related retinopathy. Also called: ABCA4-related retinoapthy; ABCA4 retinoapthy. Identifiers: MedGen CN322612, MONDO:0800406.
autosomal recessive ABCA4-related retinopathy.
Retinal dystrophy. Also called: Inherited retinal dystrophy. Identifiers: Orphanet 71862, MedGen C0854723, MeSH D058499, MONDO:0019118, HP:0000556.
Severe early-childhood-onset retinal dystrophy (STGD1). Also called: MACULAR DYSTROPHY WITH FLECKS, TYPE 1; STGD; Stargardt macular dystrophy; Juvenile onset macular degeneration; Stargardt disease 1. Identifiers: Orphanet 364055, Orphanet 827, MedGen C1855465, MeSH D000080362, MONDO:0009549, OMIM 248200.
Cone-rod dystrophy 3 (CORD3). Identifiers: Orphanet 1872, MedGen C1858806, MONDO:0011395, OMIM 604116.
Age related macular degeneration 2. Also called: MACULAR DEGENERATION, SENILE; MACULOPATHY, AGE-RELATED, 2; MACULOPATHY, AGE-RELATED. Identifiers: MedGen C3495438, MONDO:0007932, OMIM 153800.
Retinitis pigmentosa 19 (RP19). Also called: ABCA4-Related Retinitis Pigmentosa. Identifiers: Orphanet 791, MedGen C1866422, MONDO:0011137, OMIM 601718.

Allele frequency attached by ClinVar (database versions not stated): TOPMed 0.00027; gnomAD 0.00022; 1000 Genomes Project 0.00060; ExAC 0.00025; 1000 Genomes Project 30x 0.00078.
gnomAD v4.1: 164 of 1,614,062 alleles (0.01%); highest among the groups gnomAD compares: Admixed American, 0.15%; no homozygotes.

Submissions 1 to 10 of 16:

ClinGen ABCA4 Variant Curation Expert Panel, Clingen
Classification: Pathogenic for ABCA4-related retinopathy. Last evaluated: 2025-12-05. Review status: reviewed by expert panel. Criteria: ClinGen ABCA4 ACMG Specifications V1.0.0. Collection method: curation. Allele origin: germline. Inheritance: Autosomal recessive inheritance.
Comment: The NM_000350.3(ABCA4):c.3386G>T variant in ABCA4 is a missense variant predicted to cause substitution of arginine by leucine at amino acid 1129 (p.Arg1129Leu). The computational predictor REVEL gives a score of 0.848 which is above the threshold of >0.772, evidence that predicts a damaging effect on ABCA4 function (PP3_Moderate). The prevalence of the variant in affected individuals is significantly increased compared with the prevalence in controls. The OR is 82.6 and the CI is 57.49 to 122.45, which is above the ABCA4 VCEP threshold of >5, where the CI does not contain 1 (PS4; PMID: 35120629). This variant is reported to be a founder variant in Spanish patients with ABCA4-related retinopathy, accounting for 24% of the disease-associated alleles in the cohort (PMID: 16917483). Of those individuals, five were compound heterozygous for the variant and a pathogenic or likely pathogenic variant and two of those were confirmed in trans by parental testing. Five individuals were homozygous for the variant (PM3_Strong, PMID:16917483). In summary, this variant meets the criteria to be classified as pathogenic for ABCA4-related retinopathy based on the ACMG/AMP criteria applied, as specified by the ClinGen ABCA4 VCEP (Specification Version 1.0): PM3_Strong, PS4, PP3_Moderate.

PreventionGenetics, part of Exact Sciences
Classification: Pathogenic for ABCA4-related condition. Last evaluated: 2026-08-30. Review status: criteria provided, single submitter. Criteria: ACMG Guidelines, 2015. Collection method: clinical testing. Allele origin: germline. Not counted in ClinVar's aggregate classification.
Comment: The ABCA4 c.3386G>T variant is predicted to result in the amino acid substitution p.Arg1129Leu. This variant has been reported to be causative for autosomal recessive retinal disorders and is a prevalent pathogenic variant in Mexican Stargardt disease patients (Bravo-Gil et al. 2016. PubMed ID: 27032803; Riveiro-Alvarez et al. 2007. PubMed ID: 17277736; Riveiro-Alvarez et al. 2013. PubMed ID: 23755871; Table S1, Lin et al. 2024. PubMed ID: 38219857). This variant is reported in 0.17% of alleles in individuals of Latino descent in gnomAD. This variant is interpreted as pathogenic.

Labcorp Genetics (formerly Invitae), Labcorp
Classification: Pathogenic. Last evaluated: 2026-01-21. Review status: criteria provided, single submitter. Criteria: Invitae Variant Classification Sherloc (09022015). Collection method: clinical testing. Allele origin: germline. Not counted in ClinVar's aggregate classification.
Comment: This sequence change replaces arginine, which is basic and polar, with leucine, which is neutral and non-polar, at codon 1129 of the ABCA4 protein (p.Arg1129Leu). This variant is present in population databases (rs1801269, gnomAD 0.2%). This missense change has been observed in individual(s) with Stargardt disease or cone-rod dystrophy (PMID: 19074458, 23755871, 27032803, 29114839). In at least one individual the data is consistent with being in trans (on the opposite chromosome) from a pathogenic variant. ClinVar contains an entry for this variant (Variation ID: 99224). Invitae Evidence Modeling of protein sequence and biophysical properties (such as structural, functional, and spatial information, amino acid conservation, physicochemical variation, residue mobility, and thermodynamic stability) indicates that this missense variant is expected to disrupt ABCA4 protein function with a positive predictive value of 95%. Experimental studies have shown that this missense change affects ABCA4 function (PMID: 11017087). For these reasons, this variant has been classified as Pathogenic.

3billion
Classification: Pathogenic for ABCA4-related disorder. Last evaluated: 2025-12-17. Review status: criteria provided, single submitter. Criteria: ACMG Guidelines, 2015. Collection method: clinical testing. Allele origin: germline. Affected: yes. Not counted in ClinVar's aggregate classification.
Comment: The variant is observed at an extremely low frequency in the gnomAD v4.1.0 dataset (total allele frequency: 0.010%). Predicted Consequence/Location: Missense variant In silico tool predictions suggest damaging effect of the variant on gene or gene product [REVEL: 0.85 (>=0.6, sensitivity 0.68 and specificity 0.92)]. The same nucleotide change resulting in the same amino acid change has been previously reported as pathogenic/likely pathogenic with strong evidence (ClinVar ID: VCV000099224 /PMID: 9295268 /3billion dataset). The variant has been reported to be in trans with a pathogenic variant as either compound heterozygous or homozygous in at least one similarly affected unrelated individual (PMID: 23755871). Different missense changes at the same codon (p.Arg1129Cys, p.Arg1129Gly, p.Arg1129His) have been reported as pathogenic/likely pathogenic with strong evidence (ClinVar ID: VCV000298251, VCV000801515, VCV000865964 /PMID: 23953153, 9295268). Therefore, this variant is classified as Pathogenic according to the recommendation of ACMG/AMP guideline.

Variantyx, Inc.
Classification: Pathogenic for autosomal recessive ABCA4-related retinopathy. Last evaluated: 2025-12-02. Review status: criteria provided, single submitter. Criteria: Variantyx Assertion Criteria 2022. Collection method: clinical testing. Allele origin: germline. Inheritance: Autosomal recessive inheritance. Not counted in ClinVar's aggregate classification.
Comment: This is a nonsynonymous variant in the ABCA4 gene (OMIM: 601691). Pathogenic variants in this gene have been associated with autosomal recessive ABCA4-related retinopathy. This variant has been reported in the homozygous or compound heterozygous state in many unrelated individuals reported with ABCA4-related retinopathy including Stargardt disease (PMID: 23755871, 27032803, 29114839, 37217489) (PM3_Very_Strong). Functional studies have shown that this variant alters ABCA4 protein function (PMID: 11017087) (PS3_Supporting), and multiple computational algorithms predict a deleterious effect for this variant (REVEL score: 0.848) (PP3). This variant has a 0.1549% maximum allele frequency in non-founder control populations (PM2_Supporting). Based on the current evidence, this variant is classified as pathogenic for autosomal recessive ABCA4-related retinopathy.

Blueprint Genetics
Classification: Pathogenic for ABCA4-related disorders. Last evaluated: 2024-10-31. Review status: criteria provided, single submitter. Criteria: ACMG Guidelines, 2015. Collection method: clinical testing. Allele origin: germline. Affected: yes. Observed: 5 variant alleles. Not counted in ClinVar's aggregate classification.

Fulgent Genetics
Classification: Pathogenic for Age related macular degeneration 2; Severe early-childhood-onset retinal dystrophy; Retinitis pigmentosa 19; Cone-rod dystrophy 3. Last evaluated: 2024-06-15. Review status: criteria provided, single submitter. Criteria: ACMG Guidelines, 2015. Collection method: clinical testing. Allele origin: germline. Not counted in ClinVar's aggregate classification.

GeneDx
Classification: Pathogenic. Last evaluated: 2022-11-04. Review status: criteria provided, single submitter. Criteria: GeneDx Variant Classification Process June 2021. Collection method: clinical testing. Allele origin: germline. Affected: yes. Not counted in ClinVar's aggregate classification.
Comment: Reported as a common pathogenic variant among individuals of Spanish background (Riveiro-Alvarez et al., 2013); In silico analysis, which includes protein predictors and evolutionary conservation, supports a deleterious effect; This variant is associated with the following publications: (PMID: 28771251, 29114839, 27032803, 30337596, 30093795, 32483926, 32845050, 32036094, 25698705, 17277736, 9295268, 29555955, 28118664, 19074458, 16917483, 30156925, 32141364, 32619608, 31589614, 34327195, 34426522, 33090715, 33302505, 11017087, 23755871, 29925512)

Mendelics
Classification: Pathogenic for Age related macular degeneration 2. Last evaluated: 2022-05-04. Review status: criteria provided, single submitter. Criteria: Mendelics Assertion Criteria 2019. Collection method: clinical testing. Allele origin: germline. Not counted in ClinVar's aggregate classification.

Revvity Omics, Revvity
Classification: Pathogenic. Last evaluated: 2022-04-26. Review status: criteria provided, single submitter. Criteria: ACMG Guidelines, 2015. Collection method: clinical testing. Allele origin: germline. Not counted in ClinVar's aggregate classification.